The following is an entry in ClinVar:

ClinVar aggregate classification (germline): Uncertain significance (1 of 4 stars; one submission).

Submission:

GeneDx
Classification: Uncertain significance. Last evaluated: 2023-12-13. Review status: criteria provided, single submitter. Criteria: GeneDx Variant Classification Process June 2021. Collection method: clinical testing. Allele origin: germline. Affected: yes.
Comment: Not observed at significant frequency in large population cohorts (gnomAD); In silico analysis supports that this missense variant has a deleterious effect on protein structure/function; Has not been previously published as pathogenic or benign to our knowledge

NM_001367479.1(DNAH14):c.5582C>A (p.Thr1861Lys)

Gene: DNAH14 (dynein axonemal heavy chain 14; plus strand). Cytogenetic location: 1q42.12.
Variant type: single nucleotide variant.
Coding change: c.5582C>A on transcript NM_001367479.1 (MANE Select); coding-DNA position 5582, C replaced by A.
Protein change: p.Thr1861Lys; replaces threonine 1861 with lysine.
Molecular consequence: missense variant.
Genome position (GRCh38, 1-based): chr1:225,185,337, C>A. VCF-style: chr1-225185337-C-A. GRCh37 (hg19) VCF-style: chr1-225373039-C-A.
Other names: NM_001373.1:c.5516C>A; short protein forms T1861K.
Identifiers: ClinVar variation 3365339 (VCV003365339.1).